The following is an entry in ClinVar:

ClinVar aggregate classification (germline): Uncertain significance (1 of 4 stars; one submission).

Allele frequency attached by ClinVar (database versions not stated): gnomAD exomes below 0.00001.
gnomAD v4.1: 1 of 1,612,984 alleles (0.000062%); highest among the groups gnomAD compares: Non-Finnish European, 0.000085%; no homozygotes.

Submission:

Labcorp Genetics (formerly Invitae), Labcorp
Classification: Uncertain significance. Last evaluated: 2022-03-11. Review status: criteria provided, single submitter. Criteria: Invitae Variant Classification Sherloc (09022015). Collection method: clinical testing. Allele origin: germline.
Comment: In summary, the available evidence is currently insufficient to determine the role of this variant in disease. Therefore, it has been classified as a Variant of Uncertain Significance. Variants that disrupt the consensus splice site are a relatively common cause of aberrant splicing (PMID: 17576681, 9536098). Algorithms developed to predict the effect of sequence changes on RNA splicing suggest that this variant is not likely to affect RNA splicing. This variant has not been reported in the literature in individuals affected with SKIV2L-related conditions. This variant is not present in population databases (gnomAD no frequency). This sequence change falls in intron 22 of the SKIV2L gene. It does not directly change the encoded amino acid sequence of the SKIV2L protein. It affects a nucleotide within the consensus splice site.

Literature cited by the submitters: PubMed 17576681; PubMed 9536098.

NM_006929.5(SKIC2):c.2731+3G>A

Gene: SKIC2 (SKI2 subunit of superkiller complex; plus strand). Cytogenetic location: 6p21.33.
Variant type: single nucleotide variant.
Coding change: c.2731+3G>A on transcript NM_006929.5 (MANE Select); 3 bases into the intron after coding-DNA position 2731, G replaced by A.
Molecular consequence: intron variant.
Genome position (GRCh38, 1-based): chr6:31,967,865, G>A. VCF-style: chr6-31967865-G-A. GRCh37 (hg19) VCF-style: chr6-31935642-G-A.
Identifiers: ClinVar variation 1951432 (VCV001951432.5), dbSNP rs888808714, ClinGen allele CA136913133.